The following is an entry in ClinVar:

ClinVar aggregate classification (germline): Uncertain significance (1 of 4 stars; one submission).

gnomAD v4.1: 15 of 1,613,728 alleles (0.00093%); highest among the groups gnomAD compares: Non-Finnish European, 0.0013%; no homozygotes.

Submission:

Labcorp Genetics (formerly Invitae), Labcorp
Classification: Uncertain significance. Last evaluated: 2023-08-10. Review status: criteria provided, single submitter. Criteria: Invitae Variant Classification Sherloc (09022015). Collection method: clinical testing. Allele origin: germline.
Comment: This sequence change replaces lysine, which is basic and polar, with arginine, which is basic and polar, at codon 456 of the DGKZ protein (p.Lys456Arg). This variant is present in population databases (no rsID available, gnomAD 0.0009%). This variant has not been reported in the literature in individuals affected with DGKZ-related conditions. Algorithms developed to predict the effect of missense changes on protein structure and function output the following: SIFT: "Not Available"; PolyPhen-2: "Possibly Damaging"; Align-GVGD: "Not Available". The arginine amino acid residue is found in multiple mammalian species, which suggests that this missense change does not adversely affect protein function. In summary, the available evidence is currently insufficient to determine the role of this variant in disease. Therefore, it has been classified as a Variant of Uncertain Significance.

NM_001199267.2(DGKZ):c.800A>G (p.Lys267Arg)

Gene: DGKZ (diacylglycerol kinase zeta; plus strand). Cytogenetic location: 11p11.2.
Variant type: single nucleotide variant.
Coding change: c.800A>G on transcript NM_001199267.2 (MANE Select); coding-DNA position 800, A replaced by G.
Protein change: p.Lys267Arg; replaces lysine 267 with arginine.
Molecular consequence: missense variant.
Genome position (GRCh38, 1-based): chr11:46,371,747, A>G. VCF-style: chr11-46371747-A-G. GRCh37 (hg19) VCF-style: chr11-46393297-A-G.
Other names: c.851A>G, p.Lys284Arg (NM_201532.3); c.815A>G, p.Lys272Arg (NM_201533.3); c.1367A>G, p.Lys456Arg (NM_001105540.2); c.803A>G, p.Lys268Arg (NM_001199266.2, NM_003646.4); c.734A>G, p.Lys245Arg (NM_001199268.2); short protein forms K268R, K272R, K456R, K267R, K245R, K284R.
Identifiers: ClinVar variation 2989165 (VCV002989165.3), dbSNP rs1439751485, ClinGen allele CA380218528.